The following is an entry in ClinVar:

NM_007050.6(PTPRT):c.2788A>C (p.Arg930=)

Gene: PTPRT (protein tyrosine phosphatase receptor type T; minus strand). Cytogenetic location: 20q12.
Variant type: single nucleotide variant.
Coding change: c.2788A>C on transcript NM_007050.6 (MANE Select); coding-DNA position 2788, A replaced by C.
Protein change: p.Arg930=; no amino-acid change (arginine 930 retained).
Molecular consequence: synonymous variant.
Genome position (GRCh38, 1-based): chr20:42,128,813, T>G on the plus strand (A>C on the coding strand, the complement: PTPRT is on the minus strand). VCF-style: chr20-42128813-T-G. GRCh37 (hg19) VCF-style: chr20-40757453-T-G.
Other names: c.2785A>C, p.Arg929= (NM_001394024.1, NM_001394026.1); c.2812A>C, p.Arg938= (NM_001394025.1); c.2845A>C, p.Arg949= (NM_133170.4).
Identifiers: ClinVar variation 3044302 (VCV003044302.2), dbSNP rs200871809, ClinGen allele CA9864128.
Genomic context (GRCh38, chr20:42,128,813, plus strand): 5'-CGTCAATGTAGTTGGCATTGATGTAGTCAGAGTGCGGGTCTCCATCCAGCACCAGCAGCC[T>G]CACCCGGGAATGGTCGTCTGCAGAGAGAGCAGAAATCAAGGGGATGGTTGATAAGAGGCC-3'
Protein context (NP_008981.4, residues 920-940): NIISYDHSRV[Arg930=]LLVLDGDPHS

ClinVar aggregate classification (germline): Likely benign (0 of 4 stars; one submission).

Conditions:
PTPRT-related disorder. Also called: PTPRT-related condition.

Allele frequency attached by ClinVar (database versions not stated): gnomAD 0.00006; TOPMed 0.00009; gnomAD exomes 0.00014; ESP Exome Variant Server 0.00016; ExAC 0.00018.
gnomAD v4.1: 220 of 1,606,516 alleles (0.014%); highest among the groups gnomAD compares: South Asian, 0.13%; 2 homozygotes.

Submission:

PreventionGenetics, part of Exact Sciences
Classification: Likely benign for PTPRT-related condition. Last evaluated: 2019-06-07. Review status: no assertion criteria provided. Collection method: clinical testing. Allele origin: germline.
Comment: This variant is classified as likely benign based on ACMG/AMP sequence variant interpretation guidelines (Richards et al. 2015 PMID: 25741868, with internal and published modifications).